The following is an entry in ClinVar:

ClinVar aggregate classification (germline): Pathogenic. Review status: criteria provided, multiple submitters, no conflicts (2 of 4 stars). 2 submissions from 2 submitters: Pathogenic (2). Last evaluated 2026-01-09.

Conditions:
Chédiak-Higashi syndrome (CHS). Also called: Chediak-Higashi Syndrome. Identifiers: Orphanet 167, MedGen C0007965, MONDO:0008963, OMIM 214500.

Submissions (2):

Labcorp Genetics (formerly Invitae), Labcorp
Classification: Pathogenic for Chédiak-Higashi syndrome. Last evaluated: 2026-01-09. Review status: criteria provided, single submitter. Criteria: Invitae Variant Classification Sherloc (09022015). Collection method: clinical testing. Allele origin: germline.
Comment: This sequence change creates a premature translational stop signal (p.His1145Ilefs*7) in the LYST gene. It is expected to result in an absent or disrupted protein product. Loss-of-function variants in LYST are known to be pathogenic (PMID: 9215679, 11857544). This variant is present in population databases (rs760317441, gnomAD 0.0009%). This variant has not been reported in the literature in individuals affected with LYST-related conditions. ClinVar contains an entry for this variant (Variation ID: 1069690). For these reasons, this variant has been classified as Pathogenic.

GeneDx
Classification: Pathogenic. Last evaluated: 2025-05-10. Review status: criteria provided, single submitter. Criteria: GeneDx Variant Classification Process June 2021. Collection method: clinical testing. Allele origin: germline. Affected: yes.
Comment: Not observed at significant frequency in large population cohorts (gnomAD); Frameshift variant predicted to result in protein truncation or nonsense mediated decay in a gene for which loss of function is a known mechanism of disease; This variant is associated with the following publications: (PMID: 37788905)

Literature cited by the submitters: PubMed 9215679 (cited by Labcorp Genetics (formerly Invitae), Labcorp); PubMed 11857544 (cited by Labcorp Genetics (formerly Invitae), Labcorp).

NM_000081.4(LYST):c.3433del (p.His1145fs)

Gene: LYST (lysosomal trafficking regulator; minus strand). Cytogenetic location: 1q42.3.
Variant type: Deletion.
Coding change: c.3433del on transcript NM_000081.4 (MANE Select); coding-DNA position 3433, one base deleted (C; older notation c.3433delC).
Protein change: p.His1145fs; shifts the reading frame from histidine 1145.
Molecular consequence: frameshift variant.
Genome position (GRCh38, 1-based): chr1:235,804,626, G deleted on the plus strand (C on the coding strand, the reverse complement: LYST is on the minus strand); the first of 2 consecutive G bases (chr1:235,804,626-235,804,627); deleting either gives the same sequence. VCF-style (leftmost placement, unchanged base first): chr1-235804625-TG-T. GRCh37 (hg19) VCF-style: chr1-235967925-TG-T.
Other names: c.3433del, p.His1145fs (NM_001301365.1); c.3433del (NM_000081.2); short protein forms H1145fs.
Identifiers: ClinVar variation 1069690 (VCV001069690.9), dbSNP rs760317441, ClinGen allele CA1467072.